The following is an entry in ClinVar:

NM_033380.3(COL4A5):c.637G>A (p.Gly213Arg)

Gene: COL4A5 (collagen type IV alpha 5 chain; plus strand). Cytogenetic location: Xq22.3.
Variant type: single nucleotide variant.
Coding change: c.637G>A on transcript NM_033380.3 (MANE Select); coding-DNA position 637, G replaced by A.
Protein change: p.Gly213Arg; replaces glycine 213 with arginine.
Molecular consequence: missense variant.
Genome position (GRCh38, 1-based): chrX:108,577,979, G>A. VCF-style: chrX-108577979-G-A. GRCh37 (hg19) VCF-style: chrX-107821209-G-A.
Other names: c.637G>A, p.Gly213Arg (NM_000495.5); short protein forms G213R.
Identifiers: ClinVar variation 4081617 (VCV004081617.1), dbSNP rs267606310.
Genomic context (GRCh38, chrX:108,577,979, plus strand): 5'-CATTTTATTTTCTCTTTTGTCTTCTCTTCTTAGGGCCCTCCTGGTCCACCAGGACTTCCA[G>A]GACCTAAGGTAATTTTCTTTTTCTTTATATCTTTTATTTGGTGTGGATTCCTTTTCTTAC-3'
Protein context (NP_203699.1, residues 203-223): MGPPGPPGLP[Gly213Arg]PKGNMGLNFQ

ClinVar aggregate classification (germline): Likely pathogenic (1 of 4 stars; one submission).

Conditions:
X-linked Alport syndrome (ATS1). Also called: COL4A5-Related Nephropathy; NEPHROPATHY AND DEAFNESS, X-LINKED. Identifiers: Orphanet 63, Orphanet 88917, MedGen C4746986, MONDO:0010520, OMIM 301050.

Submission:

Myriad Genetics, Inc.
Classification: Likely pathogenic for X-linked Alport syndrome. Last evaluated: 2025-05-20. Review status: criteria provided, single submitter. Criteria: Myriad Autosomal Dominant, Autosomal Recessive and X-Linked Classification Criteria (2023). Collection method: clinical testing. Allele origin: unknown.
Comment: NM_000495.4(COL4A5):c.637G>A(G213R) is a missense variant classified as likely pathogenic in the context of X-linked Alport syndrome. G213R has been observed in a case with relevant disease (PMID: 36938085). Relevant functional assessments of this variant are not available in the literature. G213R has not been observed in referenced population frequency databases. In summary, NM_000495.4(COL4A5):c.637G>A(G213R) is a missense variant that has been observed more frequently in cases with the relevant disease than in healthy populations. Please note: this variant was assessed in the context of healthy population screening.

Literature cited by the submitters: PubMed 36938085.